The following is an entry in ClinVar:

NM_025099.6(CTC1):c.*3255G>C

Gene: CTC1 (CST telomere replication complex component 1; minus strand). Cytogenetic location: 17p13.1.
Variant type: single nucleotide variant.
Coding change: c.*3255G>C on transcript NM_025099.6 (MANE Select); 3255 bases downstream of the stop codon, G replaced by C.
Molecular consequence: 3 prime UTR variant. On other transcripts: non-coding transcript variant (1).
Genome position (GRCh38, 1-based): chr17:8,224,925, C>G on the plus strand (G>C on the coding strand, the complement: CTC1 is on the minus strand). VCF-style: chr17-8224925-C-G. GRCh37 (hg19) VCF-style: chr17-8128243-C-G.
Identifiers: ClinVar variation 892092 (VCV000892092.4), dbSNP rs8072663, ClinGen allele CA287525768.

ClinVar aggregate classification (germline): Likely benign (1 of 4 stars; one submission).

Conditions:
Dyskeratosis congenita. Identifiers: Orphanet 1775, MedGen C0265965, MONDO:0015780.

Allele frequency attached by ClinVar (database versions not stated): TOPMed 0.00260; 1000 Genomes Project 0.00300; 1000 Genomes Project 30x 0.00344.

Submission:

Illumina Laboratory Services, Illumina
Classification: Likely benign for Dyskeratosis congenita. Last evaluated: 2018-01-12. Review status: criteria provided, single submitter. Criteria: ICSL Variant Classification Criteria 13 December 2019. Collection method: clinical testing. Allele origin: germline.
Comment: This variant was observed in the ICSL laboratory as part of a predisposition screen in an ostensibly healthy population. It had not been previously curated by ICSL or reported in the Human Gene Mutation Database (HGMD: prior to June 1st, 2018), and was therefore a candidate for classification through an automated scoring system. Utilizing variant allele frequency, disease prevalence and penetrance estimates, and inheritance mode, an automated score was calculated to assess if this variant is too frequent to cause the disease. Based on the score and internal cut-off values, a variant classified as likely benign is not then subjected to further curation. The score for this variant resulted in a classification of likely benign for this disease.